The following is an entry in ClinVar:

NM_000138.5(FBN1):c.2495G>A (p.Cys832Tyr)

Gene: FBN1 (fibrillin 1; minus strand). Cytogenetic location: 15q21.1.
Variant type: single nucleotide variant.
Coding change: c.2495G>A on transcript NM_000138.5 (MANE Select); coding-DNA position 2495, G replaced by A.
Protein change: p.Cys832Tyr; replaces cysteine 832 with tyrosine.
Molecular consequence: missense variant.
Genome position (GRCh38, 1-based): chr15:48,495,513, C>T on the plus strand (G>A on the coding strand, the complement: FBN1 is on the minus strand). VCF-style: chr15-48495513-C-T. GRCh37 (hg19) VCF-style: chr15-48787710-C-T.
Other names: short protein forms C832Y.
Identifiers: ClinVar variation 42311 (VCV000042311.19), dbSNP rs397515775, ClinGen allele CA013156.

ClinVar aggregate classification (germline): Pathogenic/Likely pathogenic. Review status: criteria provided, multiple submitters, no conflicts (2 of 4 stars). 5 submissions from 5 submitters: Pathogenic (4); Likely pathogenic (1). Last evaluated 2025-11-04.

Conditions:
Marfan syndrome (MFS). Also called: FBN1-Related Marfan Syndrome; Marfan syndrome, classic; MARFAN SYNDROME, TYPE I; Marfan syndrome type 1; Marfan's syndrome. Identifiers: Orphanet 284963, Orphanet 558, MedGen C0024796, MONDO:0007947, OMIM 154700.
Familial thoracic aortic aneurysm and aortic dissection (TAAD). Also called: Thoracic aortic aneurysms and dissections. Identifiers: Orphanet 91387, MedGen C4707243, MONDO:0019625.

Submissions (5):

Labcorp Genetics (formerly Invitae), Labcorp
Classification: Pathogenic for Marfan syndrome; Familial thoracic aortic aneurysm and aortic dissection. Last evaluated: 2025-11-04. Review status: criteria provided, single submitter. Criteria: Invitae Variant Classification Sherloc (09022015). Collection method: clinical testing. Allele origin: germline.
Comment: This sequence change replaces cysteine, which is neutral and slightly polar, with tyrosine, which is neutral and polar, at codon 832 of the FBN1 protein (p.Cys832Tyr). This variant is not present in population databases (gnomAD no frequency). This missense change has been observed in individuals with Marfan syndrome (PMID: 10464652, 16222657, 17657824, 24199744, 29357934). It has also been observed to segregate with disease in related individuals. ClinVar contains an entry for this variant (Variation ID: 42311). Invitae Evidence Modeling of protein sequence and biophysical properties (such as structural, functional, and spatial information, amino acid conservation, physicochemical variation, residue mobility, and thermodynamic stability) indicates that this missense variant is expected to disrupt FBN1 protein function with a positive predictive value of 95%. This variant affects a cysteine residue in the EGF-like, TGFBP or hybrid motif domains of FBN1. Cysteine residues are believed to be involved in intramolecular disulfide bridges and have been shown to be important for FBN1 protein structure (PMID: 16905551, 19349279). In addition, missense substitutions affecting cysteine residues within these domains are significantly overrepresented among patients with Marfan syndrome (PMID: 16571647, 17701892). This variant disrupts the p.Cys832 amino acid residue in FBN1. Other variant(s) that disrupt this residue have been observed in individuals with FBN1-related conditions (PMID: 19839986, 27906200), which suggests that this may be a clinically significant amino acid residue. For these reasons, this variant has been classified as Pathogenic.

GeneDx
Classification: Pathogenic. Last evaluated: 2025-07-23. Review status: criteria provided, single submitter. Criteria: GeneDx Variant Classification Process June 2021. Collection method: clinical testing. Allele origin: germline. Affected: yes.
Comment: Affects a cysteine residue within a calcium-binding EGF-like domain of the FBN1 gene, which may affect disulfide bonding and is predicted to alter the structure and function of the protein; cysteine substitutions in the calcium-binding EGF-like domains represent the majority of pathogenic missense changes associated with FBN1-related disorders (PMID: 12938084, 10486319); In silico analysis supports that this missense variant has a deleterious effect on protein structure/function; Not observed at significant frequency in large population cohorts (gnomAD); This variant is associated with the following publications: (PMID: 10464652, 19839986, 31447099, 35943490, 10486319, 16222657, 17657824, 24199744, 31098894, 29357934, 12938084)

Human Genome Sequencing Center Clinical Lab, Baylor College of Medicine
Classification: Pathogenic for Marfan syndrome. Last evaluated: 2018-04-03. Review status: criteria provided, single submitter. Criteria: ACMG Guidelines, 2015. Collection method: clinical testing. Allele origin: germline.
Comment: This c.2495G>A (p.Cys832Tyr) variant in the FBN1 gene has been reported in multiple unrelated individuals with Marfan syndrome (PMID: 10464652, 16222657, 17657824) and is extremely rare in the general population. Other reports have also observed different changes at the same amino acid in patients with Marfan syndrome (PMID: 19839986, 24793577). There is also strong functional data supporting pathogenesis (PMID: 10486319, 10464652). This c.2495G>A (p.Cys832Tyr) variant in the FBN1 gene is classified as pathogenic.

Laboratory for Molecular Medicine, Mass General Brigham Personalized Medicine
Classification: Likely pathogenic for Marfan syndrome. Last evaluated: 2008-06-04. Review status: criteria provided, single submitter. Criteria: LMM Criteria. Collection method: clinical testing. Allele origin: germline. Observed: 2 variant alleles.

Juno Genomics, Hangzhou Juno Genomics, Inc
Classification: Pathogenic for Marfan syndrome. Review status: criteria provided, single submitter. Criteria: ACMG Guidelines, 2015. Collection method: clinical testing. Allele origin: germline. Affected: yes.
Comment: Absent from controls (or at extremely low frequency if recessive) in Genome Aggregation Database, Exome Sequencing Project, 1000 Genomes Project, or Exome Aggregation Consortium.;Multiple lines of computational evidence support a deleterious effect on the gene or gene product (conservation, evolutionary, splicing impact, etc).;Located in a mutational hot spot and/or critical and well-established functional domain (e.g. active site of an enzyme) without benign variation.;Missense variant in a gene that has a low rate of benign missense variation and where missense variants are a common mechanism of disease.;The prevalence of the variant in affected individuals is significantly increased compared to the prevalence in controls.;Patient's phenotype or family history is highly specific for a disease with a single genetic etiology.

Literature cited by the submitters: PubMed 10464652 (cited by Labcorp Genetics (formerly Invitae), Labcorp and Laboratory for Molecular Medicine, Mass General Brigham Personalized Medicine); PubMed 16222657 (cited by Labcorp Genetics (formerly Invitae), Labcorp and Laboratory for Molecular Medicine, Mass General Brigham Personalized Medicine); PubMed 17657824 (cited by Labcorp Genetics (formerly Invitae), Labcorp and Laboratory for Molecular Medicine, Mass General Brigham Personalized Medicine); PubMed 24199744 (cited by Labcorp Genetics (formerly Invitae), Labcorp); PubMed 29357934 (cited by Labcorp Genetics (formerly Invitae), Labcorp); PubMed 16905551 (cited by Labcorp Genetics (formerly Invitae), Labcorp); PubMed 19349279 (cited by Labcorp Genetics (formerly Invitae), Labcorp); PubMed 16571647 (cited by Labcorp Genetics (formerly Invitae), Labcorp); PubMed 17701892 (cited by Labcorp Genetics (formerly Invitae), Labcorp); PubMed 19839986 (cited by Labcorp Genetics (formerly Invitae), Labcorp); PubMed 27906200 (cited by Labcorp Genetics (formerly Invitae), Labcorp); PubMed 10486319 (cited by Laboratory for Molecular Medicine, Mass General Brigham Personalized Medicine); PubMed 17850668 (cited by Laboratory for Molecular Medicine, Mass General Brigham Personalized Medicine).